The following is an entry in ClinVar:

NM_001034853.2(RPGR):c.1572+11A>G

Gene: RPGR (retinitis pigmentosa GTPase regulator; minus strand). Cytogenetic location: Xp11.4.
Variant type: single nucleotide variant.
Coding change: c.1572+11A>G on transcript NM_001034853.2 (MANE Select); 11 bases into the intron after coding-DNA position 1572, A replaced by G.
Molecular consequence: intron variant.
Genome position (GRCh38, 1-based): chrX:38,290,948, T>C on the plus strand (A>G on the coding strand, the complement: RPGR is on the minus strand). VCF-style: chrX-38290948-T-C. GRCh37 (hg19) VCF-style: chrX-38150201-T-C.
Other names: c.1569+11A>G (NM_001367249.1, NM_001367250.1, NM_001367245.1); c.1386+11A>G (NM_001367251.1, NM_001367246.1); c.1572+11A>G (NM_001367247.1, NM_000328.3); c.1602+11A>G (NM_001367248.1).
Identifiers: ClinVar variation 92852 (VCV000092852.23), dbSNP rs62635008, ClinGen allele CA146035.

ClinVar aggregate classification (germline): Benign. Review status: reviewed by expert panel (3 of 4 stars). 10 submissions from 10 submitters: Benign (1). 9 of the submissions do not count toward it. Last evaluated 2025-09-07.

Conditions:
Primary ciliary dyskinesia. Also called: Ciliary dyskinesia. Identifiers: Orphanet 244, MedGen C0008780, MONDO:0016575, HP:0012265.
RPGR-related retinopathy. Also called: RPGR retinopathy. Identifiers: MedGen CN305589, MONDO:0100437.

Allele frequency attached by ClinVar (database versions not stated): ESP Exome Variant Server 0.08845; gnomAD 0.09352 and 0.09370; gnomAD exomes 0.09848; ExAC 0.10197; TOPMed 0.10439; 1000 Genomes Project 0.12954; 1000 Genomes Project 30x 0.12986.
gnomAD v4.1: 61,797 of 952,665 alleles (6.5%); highest among the groups gnomAD compares: Admixed American, 20%; 2,328 homozygotes.

Submissions (10):

ClinGen X-linked Inherited Retinal Disease Variant Curation Expert Panel, ClinGen
Classification: Benign for RPGR-related retinopathy. Last evaluated: 2025-09-07. Review status: reviewed by expert panel. Criteria: ClinGen X LinkedIRD ACMG Specifications RPGR V1.0.0. Collection method: curation. Allele origin: germline. Inheritance: X-linked inheritance.
Comment: NM_001034853.2(RPGR):c.1572+11A>G is a non-coding variant within intron 13 that is located outside of the splice donor region (BP7). The splicing impact predictor SpliceAI gives a delta score of 0.00 for all predictive splice changes, which is below the ClinGen X-linked IRD VCEP recommended threshold of <0.1 and does not strongly predict an impact on splicing (BP4). This variant is present in gnomAD v4.1.0 at a frequency of 0.0658891 among hemizygous individuals, with 17,309 variant alleles / 262,699 total hemizygous alleles, which is higher than the ClinGen X-linked IRD VCEP BA1 threshold of >0.00005 (BA1). In summary, this variant is classified as benign for RPGR-related retinopathy based on the ClinGen X-linked Inherited Retinal Disease Expert Panel Specifications to the ACMG/AMP Variant Interpretation Guidelines for RPGR Version 1.0.0; BA1, BP4, and BP7.

Labcorp Genetics (formerly Invitae), Labcorp
Classification: Benign for Primary ciliary dyskinesia. Last evaluated: 2026-02-04. Review status: criteria provided, single submitter. Criteria: Invitae Variant Classification Sherloc (09022015). Collection method: clinical testing. Allele origin: germline. Not counted in ClinVar's aggregate classification.

Blueprint Genetics
Classification: Likely benign. Last evaluated: 2024-11-28. Review status: criteria provided, single submitter. Criteria: ACMG Guidelines, 2015. Collection method: clinical testing. Allele origin: germline. Not counted in ClinVar's aggregate classification.

Women's Health and Genetics/Laboratory Corporation of America, LabCorp
Classification: Benign. Last evaluated: 2024-01-11. Review status: criteria provided, single submitter. Criteria: LabCorp Variant Classification Summary - May 2015. Collection method: clinical testing. Allele origin: germline. Not counted in ClinVar's aggregate classification.

GeneDx
Classification: Benign. Last evaluated: 2018-07-09. Review status: criteria provided, single submitter. Criteria: GeneDx Variant Classification Process June 2021. Collection method: clinical testing. Allele origin: germline. Affected: yes. Not counted in ClinVar's aggregate classification.

Laboratory for Molecular Medicine, Mass General Brigham Personalized Medicine
Classification: Benign. Last evaluated: 2016-03-28. Review status: criteria provided, single submitter. Criteria: LMM Criteria. Collection method: clinical testing. Allele origin: germline. Not counted in ClinVar's aggregate classification.
Comment: Variant identified in a genome or exome case(s) and assessed due to predicted null impact of the variant or pathogenic assertions in the literature or databases. Disclaimer: This variant has not undergone full assessment. The following are preliminary notes: Frequency

Eurofins Ntd Llc (ga)
Classification: Benign. Last evaluated: 2014-08-15. Review status: criteria provided, single submitter. Criteria: EGL Classification Definitions 2015. Collection method: clinical testing. Allele origin: germline. Observed: 10 variant alleles, 6 heterozygotes, 2 homozygotes, 2 hemizygotes. Not counted in ClinVar's aggregate classification.

Breakthrough Genomics
Classification: Benign. Review status: criteria provided, single submitter. Criteria: ACMG Guidelines, 2015. Collection method: not provided. Allele origin: germline. Inheritance: X-linked inheritance. Affected: yes. Not counted in ClinVar's aggregate classification.

PreventionGenetics, part of Exact Sciences
Classification: Benign. Review status: criteria provided, single submitter. Criteria: ACMG Guidelines, 2015. Collection method: clinical testing. Allele origin: germline. Not counted in ClinVar's aggregate classification.

Retina International
No classification provided. Review status: no classification provided. Collection method: not provided. Allele origin: unknown. Not counted in ClinVar's aggregate classification.